The following is an entry in ClinVar:

ClinVar aggregate classification (germline): Pathogenic (1 of 4 stars; one submission).

Conditions:
Cardiovascular phenotype. Identifiers: MedGen CN230736.
Hereditary cancer-predisposing syndrome. Also called: Neoplastic Syndromes, Hereditary; Tumor predisposition; Hereditary neoplastic syndrome; Hereditary Cancer Syndrome. Identifiers: Orphanet 140162, MedGen C0027672, MeSH D009386, MONDO:0015356.

Submission:

Ambry Genetics
Classification: Pathogenic for Cardiovascular phenotype; Hereditary cancer-predisposing syndrome. Last evaluated: 2026-07-17. Review status: criteria provided, single submitter. Criteria: Ambry Variant Classification Scheme 2023. Collection method: clinical testing. Allele origin: germline.
Comment: The c.4716delC pathogenic mutation, located in coding exon 35 of the NF1 gene, results from a deletion of one nucleotide at nucleotide position 4716, causing a translational frameshift with a predicted alternate stop codon (p.Y1573Tfs*30). This variant was reported in individual(s) with features consistent with neurofibromatosis type 1 (NF1) (Ambry internal data). This variant is considered to be rare based on population cohorts in the Genome Aggregation Database (gnomAD). This alteration is expected to result in loss of function by premature protein truncation or nonsense-mediated mRNA decay. As such, this alteration is interpreted as a disease-causing mutation.

NM_001042492.3(NF1):c.4779del (p.Tyr1594fs)

Gene: NF1 (neurofibromin 1; plus strand). Cytogenetic location: 17q11.2.
Variant type: Deletion.
Coding change: c.4779del on transcript NM_001042492.3 (MANE Select); coding-DNA position 4779, one base deleted (C; older notation c.4779delC).
Protein change: p.Tyr1594fs; shifts the reading frame from tyrosine 1594.
Molecular consequence: frameshift variant.
Genome position (GRCh38, 1-based): chr17:31,265,283, C deleted. VCF-style (leftmost placement, unchanged base first): chr17-31265282-TC-T. GRCh37 (hg19) VCF-style: chr17-29592300-TC-T.
Other names: c.4716del, p.Tyr1573fs (NM_000267.4); short protein forms Y1573fs, Y1594fs.
Identifiers: ClinVar variation 5025549 (VCV005025549.1).